The following is an entry in ClinVar:

ClinVar aggregate classification (germline): Uncertain significance (1 of 4 stars; one submission).

Conditions:
Nemaline myopathy 8 (NEM8). Also called: Nemaline myopathy 8, autosomal recessive. Identifiers: Orphanet 171430, MedGen C3809209, MONDO:0014138, OMIM 615348.

Allele frequency attached by ClinVar (database versions not stated): ExAC 0.00002; gnomAD exomes 0.00003; 1000 Genomes Project 30x 0.00016; 1000 Genomes Project 0.00020.
gnomAD v4.1: 22 of 1,613,810 alleles (0.0014%); highest among the groups gnomAD compares: East Asian, 0.011%; no homozygotes.

Submission:

Labcorp Genetics (formerly Invitae), Labcorp
Classification: Uncertain significance for Nemaline myopathy 8. Last evaluated: 2021-02-27. Review status: criteria provided, single submitter. Criteria: Invitae Variant Classification Sherloc (09022015). Collection method: clinical testing. Allele origin: germline.
Comment: Algorithms developed to predict the effect of missense changes on protein structure and function are either unavailable or do not agree on the potential impact of this missense change (SIFT: "Deleterious"; PolyPhen-2: "Possibly Damaging"; Align-GVGD: "Class C0"). In summary, the available evidence is currently insufficient to determine the role of this variant in disease. Therefore, it has been classified as a Variant of Uncertain Significance. This variant has not been reported in the literature in individuals with KLHL40-related conditions. This sequence change replaces serine with leucine at codon 431 of the KLHL40 protein (p.Ser431Leu). The serine residue is moderately conserved and there is a large physicochemical difference between serine and leucine. This variant is present in population databases (rs545767433, ExAC 0.02%).

NM_152393.4(KLHL40):c.1292C>T (p.Ser431Leu)

Gene: KLHL40 (kelch like family member 40; plus strand). Cytogenetic location: 3p22.1.
Variant type: single nucleotide variant.
Coding change: c.1292C>T on transcript NM_152393.4 (MANE Select); coding-DNA position 1292, C replaced by T.
Protein change: p.Ser431Leu; replaces serine 431 with leucine.
Molecular consequence: missense variant.
Genome position (GRCh38, 1-based): chr3:42,688,281, C>T. VCF-style: chr3-42688281-C-T. GRCh37 (hg19) VCF-style: chr3-42729773-C-T.
Other names: short protein forms S431L.
Identifiers: ClinVar variation 1412430 (VCV001412430.8), dbSNP rs545767433, ClinGen allele CA2336881.